The following is an entry in ClinVar:

ClinVar aggregate classification (germline): Uncertain significance (1 of 4 stars; one submission).

Conditions:
Hereditary hemochromatosis (HFE). Identifiers: MedGen C0392514, MONDO:0006507. Disease mechanism: loss of function.

Allele frequency attached by ClinVar (database versions not stated): gnomAD 0.00005 and 0.00004; ExAC 0.00007; gnomAD exomes 0.00007; TOPMed 0.00007; ESP Exome Variant Server 0.00008.
gnomAD v4.1: 87 of 1,612,466 alleles (0.0054%); highest among the groups gnomAD compares: East Asian, 0.056%; no homozygotes.

Submission:

Labcorp Genetics (formerly Invitae), Labcorp
Classification: Uncertain significance for Hereditary hemochromatosis. Last evaluated: 2022-10-17. Review status: criteria provided, single submitter. Criteria: Invitae Variant Classification Sherloc (09022015). Collection method: clinical testing. Allele origin: germline.
Comment: This sequence change falls in intron 2 of the HAMP gene. It does not directly change the encoded amino acid sequence of the HAMP protein. It affects a nucleotide within the consensus splice site. This variant is present in population databases (rs375386964, gnomAD 0.04%). This variant has not been reported in the literature in individuals affected with HAMP-related conditions. ClinVar contains an entry for this variant (Variation ID: 219838). Variants that disrupt the consensus splice site are a relatively common cause of aberrant splicing (PMID: 17576681, 9536098). Algorithms developed to predict the effect of sequence changes on RNA splicing suggest that this variant is not likely to affect RNA splicing. In summary, the available evidence is currently insufficient to determine the role of this variant in disease. Therefore, it has been classified as a Variant of Uncertain Significance.

Literature cited by the submitters: PubMed 17576681; PubMed 9536098.

NM_021175.4(HAMP):c.150+6C>T

Gene: HAMP (hepcidin antimicrobial peptide; plus strand). Cytogenetic location: 19q13.12.
Variant type: single nucleotide variant.
Coding change: c.150+6C>T on transcript NM_021175.4 (MANE Select); 6 bases into the intron after coding-DNA position 150, C replaced by T.
Molecular consequence: intron variant.
Genome position (GRCh38, 1-based): chr19:35,284,854, C>T. VCF-style: chr19-35284854-C-T. GRCh37 (hg19) VCF-style: chr19-35775757-C-T.
Identifiers: ClinVar variation 219838 (VCV000219838.13), dbSNP rs375386964, ClinGen allele CA348327.